The following is an entry in ClinVar:

ClinVar aggregate classification (germline): Likely benign. Review status: criteria provided, multiple submitters, no conflicts (2 of 4 stars). 4 submissions from 4 submitters: Likely benign (4). Last evaluated 2026-02-03.

Conditions:
Familial sleep-related hypermotor epilepsy. Also called: Autosomal Dominant Sleep-Related Hypermotor (Hyperkinetic) Epilepsy. Identifiers: Orphanet 98784, MedGen C3696898, MONDO:0000030.
CHRNB2-related disorder. Also called: CHRNB2-related condition.

Allele frequency attached by ClinVar (database versions not stated): gnomAD exomes 0.00002 and 0.00005; ExAC 0.00006; TOPMed 0.00013; ESP Exome Variant Server 0.00023; 1000 Genomes Project 30x 0.00078; 1000 Genomes Project 0.00080.
gnomAD v4.1: 60 of 1,608,776 alleles (0.0037%); highest among the groups gnomAD compares: African/African-American, 0.069%; 1 homozygote.

Submissions (4):

Labcorp Genetics (formerly Invitae), Labcorp
Classification: Likely benign. Last evaluated: 2026-02-03. Review status: criteria provided, single submitter. Criteria: Invitae Variant Classification Sherloc (09022015). Collection method: clinical testing. Allele origin: germline.

PreventionGenetics, part of Exact Sciences
Classification: Likely benign for CHRNB2-related condition. Last evaluated: 2026-01-23. Review status: criteria provided, single submitter. Criteria: ACMG Guidelines, 2015. Collection method: clinical testing. Allele origin: germline.
Comment: This variant is classified as likely benign based on ACMG/AMP sequence variant interpretation guidelines (Richards et al. 2015 PMID: 25741868, with internal and published modifications).

Blueprint Genetics
Classification: Likely benign. Last evaluated: 2023-09-28. Review status: criteria provided, single submitter. Criteria: ACMG Guidelines, 2015. Collection method: clinical testing. Allele origin: germline.

GeneDx
Classification: Likely benign. Last evaluated: 2016-04-06. Review status: criteria provided, single submitter. Criteria: GeneDx Variant Classification (06012015). Collection method: clinical testing. Allele origin: germline. Affected: yes.
Comment: This variant is considered likely benign or benign based on one or more of the following criteria: it is a conservative change, it occurs at a poorly conserved position in the protein, it is predicted to be benign by multiple in silico algorithms, and/or has population frequency not consistent with disease.

NM_000748.3(CHRNB2):c.348T>C (p.Asp116=)

Gene: CHRNB2 (cholinergic receptor nicotinic beta 2 subunit; plus strand). Cytogenetic location: 1q21.3.
Variant type: single nucleotide variant.
Coding change: c.348T>C on transcript NM_000748.3 (MANE Select); coding-DNA position 348, T replaced by C.
Protein change: p.Asp116=; no amino-acid change (aspartic acid 116 retained).
Molecular consequence: synonymous variant.
Genome position (GRCh38, 1-based): chr1:154,570,350, T>C. VCF-style: chr1-154570350-T-C. GRCh37 (hg19) VCF-style: chr1-154542826-T-C.
Identifiers: ClinVar variation 385232 (VCV000385232.12), dbSNP rs78921047, ClinGen allele CA1130697.